The following is an entry in ClinVar:

NM_139057.4(ADAMTS17):c.3068G>A (p.Cys1023Tyr)

Gene: ADAMTS17 (ADAM metallopeptidase with thrombospondin type 1 motif 17; minus strand). Cytogenetic location: 15q26.3.
Variant type: single nucleotide variant.
Coding change: c.3068G>A on transcript NM_139057.4 (MANE Select); coding-DNA position 3068, G replaced by A.
Protein change: p.Cys1023Tyr; replaces cysteine 1023 with tyrosine.
Molecular consequence: missense variant.
Genome position (GRCh38, 1-based): chr15:99,976,104, C>T on the plus strand (G>A on the coding strand, the complement: ADAMTS17 is on the minus strand). VCF-style: chr15-99976104-C-T. GRCh37 (hg19) VCF-style: chr15-100516309-C-T.
Other names: short protein forms C1023Y.
Identifiers: ClinVar variation 315256 (VCV000315256.9), dbSNP rs144662002, ClinGen allele CA10636925.
Genomic context (GRCh38, chr15:99,976,104, plus strand): 5'-CCAAGGCGGGGGGAGGTGATGGTGTTGGCGTTGATCCTGTCGTTGCAGACCTCCTGGTAG[C>T]ACTGTCTGTAGGGGGCAGGCTTCGAGAGGGCGGGGCACTCGCTGCCGTGGCGCCCTGTGA-3'
Protein context (NP_620688.2, residues 1013-1033): ALSKPAPYRQ[Cys1023Tyr]YQEVCNDRIN

ClinVar aggregate classification (germline): Conflicting classifications of pathogenicity. Review status: criteria provided, conflicting classifications (1 of 4 stars). 2 submissions from 2 submitters: Likely pathogenic (1); Uncertain significance (1). Last evaluated 2026-02-01.

Conditions:
Weill-Marchesani 4 syndrome, recessive. Also called: Weill-Marchesani syndrome 4. Identifiers: Orphanet 363992, MedGen C2750787, MONDO:0013176, OMIM 613195.

Allele frequency attached by ClinVar (database versions not stated): gnomAD 0.00001; gnomAD exomes 0.00001 and 0.00002; TOPMed 0.00001; ESP Exome Variant Server 0.00008.
gnomAD v4.1: 30 of 1,551,472 alleles (0.0019%); highest among the groups gnomAD compares: Non-Finnish European, 0.0024%; no homozygotes.

Submissions (2):

Labcorp Genetics (formerly Invitae), Labcorp
Classification: Likely pathogenic. Last evaluated: 2026-02-01. Review status: criteria provided, single submitter. Criteria: Invitae Variant Classification Sherloc (09022015). Collection method: clinical testing. Allele origin: germline.
Comment: This sequence change replaces cysteine, which is neutral and slightly polar, with tyrosine, which is neutral and polar, at codon 1023 of the ADAMTS17 protein (p.Cys1023Tyr). This variant is present in population databases (rs144662002, gnomAD 0.004%). This missense change has been observed in individual(s) with clinical features of ADAMTS17-related conditions (PMID: 32616716). It has also been observed to segregate with disease in related individuals. ClinVar contains an entry for this variant (Variation ID: 315256). An algorithm developed to predict the effect of missense changes on protein structure and function (PolyPhen-2) suggests that this variant is likely to be disruptive. Experimental studies have shown that this missense change affects ADAMTS17 function (PMID: 32616716). In summary, the currently available evidence indicates that the variant is pathogenic, but additional data are needed to prove that conclusively. Therefore, this variant has been classified as Likely Pathogenic.

Illumina Laboratory Services, Illumina
Classification: Uncertain significance for Weill-Marchesani 4 syndrome, recessive. Last evaluated: 2018-01-13. Review status: criteria provided, single submitter. Criteria: ICSL Variant Classification Criteria 13 December 2019. Collection method: clinical testing. Allele origin: germline.

Literature cited by the submitters: PubMed 32616716 (cited by Labcorp Genetics (formerly Invitae), Labcorp).